The following is an entry in ClinVar:

NM_000038.6(APC):c.4962T>C (p.Ala1654=)

Gene: APC (APC regulator of Wnt signaling pathway; plus strand). Cytogenetic location: 5q22.2.
Variant type: single nucleotide variant.
Coding change: c.4962T>C on transcript NM_000038.6 (MANE Select); coding-DNA position 4962, T replaced by C.
Protein change: p.Ala1654=; no amino-acid change (alanine 1654 retained).
Molecular consequence: synonymous variant.
Genome position (GRCh38, 1-based): chr5:112,840,556, T>C. VCF-style: chr5-112840556-T-C. GRCh37 (hg19) VCF-style: chr5-112176253-T-C.
Other names: c.4962T>C, p.Ala1654= (NM_001127510.3, NM_001354895.2); c.4908T>C, p.Ala1636= (NM_001127511.3); c.5016T>C, p.Ala1672= (NM_001354896.2); c.4992T>C, p.Ala1664= (NM_001354897.2); c.4887T>C, p.Ala1629= (NM_001354898.2); c.4878T>C, p.Ala1626= (NM_001354899.2); c.4839T>C, p.Ala1613= (NM_001354900.2); c.4785T>C, p.Ala1595= (NM_001354901.2); and 5 more.
Identifiers: ClinVar variation 220814 (VCV000220814.27), dbSNP rs551322279, ClinGen allele CA040277.

ClinVar aggregate classification (germline): Benign/Likely benign. Review status: criteria provided, multiple submitters, no conflicts (2 of 4 stars). 9 submissions from 9 submitters: Benign (2); Likely benign (6). 1 of the submissions does not count toward it. Last evaluated 2025-07-25.

Conditions:
APC-related disorder. Also called: APC-related condition.
Classic or attenuated familial adenomatous polyposis. Identifiers: MedGen CN372698, MONDO:0021057.
Hereditary cancer-predisposing syndrome. Also called: Hereditary neoplastic syndrome; Tumor predisposition; Hereditary Cancer Syndrome; Neoplastic Syndromes, Hereditary. Identifiers: Orphanet 140162, MedGen C0027672, MeSH D009386, MONDO:0015356.
Familial adenomatous polyposis 1 (FAP1). Also called: FAMILIAL ADENOMATOUS POLYPOSIS 1, ATTENUATED; POLYPOSIS, ADENOMATOUS INTESTINAL. Identifiers: MedGen C2713442, MONDO:0021056, OMIM 175100. Disease mechanism: loss of function.

Allele frequency attached by ClinVar (database versions not stated): gnomAD exomes below 0.00001; gnomAD 0.00001; TOPMed 0.00001; ExAC 0.00002; 1000 Genomes Project 0.00020; 1000 Genomes Project 30x 0.00047.
gnomAD v4.1: 4 of 1,614,122 alleles (0.00025%); highest among the groups gnomAD compares: African/African-American, 0.004%; no homozygotes.

Submissions (9):

Women's Health and Genetics/Laboratory Corporation of America, LabCorp
Classification: Likely benign. Last evaluated: 2025-07-25. Review status: criteria provided, single submitter. Criteria: LabCorp Variant Classification Summary - May 2015. Collection method: clinical testing. Allele origin: germline.

Labcorp Genetics (formerly Invitae), Labcorp
Classification: Likely benign for Familial adenomatous polyposis 1. Last evaluated: 2025-07-21. Review status: criteria provided, single submitter. Criteria: Invitae Variant Classification Sherloc (09022015). Collection method: clinical testing. Allele origin: germline.

All of Us Research Program, National Institutes of Health
Classification: Likely benign for Classic or attenuated familial adenomatous polyposis. Last evaluated: 2024-05-14. Review status: criteria provided, single submitter. Criteria: ACMG Guidelines, 2015. Collection method: clinical testing. Allele origin: germline. Inheritance: Autosomal dominant inheritance. Observed: 2 variant alleles, 2 heterozygotes.
Comment: This study involves interpretation of variants in research participants for the purpose of population health screening. Participant phenotype was not available at the time of variant classification. Additional details can be found in publication PMID: 35346344, PMCID: PMC8962531

Myriad Genetics, Inc.
Classification: Benign for Familial adenomatous polyposis 1. Last evaluated: 2024-03-28. Review status: criteria provided, single submitter. Criteria: Myriad Autosomal Dominant, Autosomal Recessive and X-Linked Classification Criteria (2023). Collection method: clinical testing. Allele origin: unknown.
Comment: This variant is considered benign. This variant is a silent/synonymous amino acid change and it is not expected to impact splicing.

Quest Diagnostics Nichols Institute San Juan Capistrano
Classification: Likely benign. Last evaluated: 2021-05-18. Review status: criteria provided, single submitter. Criteria: Quest Diagnostics criteria. Collection method: clinical testing. Allele origin: unknown.

Color Diagnostics, LLC DBA Color Health
Classification: Likely benign for Hereditary cancer-predisposing syndrome. Last evaluated: 2019-07-18. Review status: criteria provided, single submitter. Criteria: ACMG Guidelines, 2015. Collection method: clinical testing. Allele origin: germline.

Ambry Genetics
Classification: Likely benign for Hereditary cancer-predisposing syndrome. Last evaluated: 2018-06-06. Review status: criteria provided, single submitter. Criteria: Ambry Variant Classification Scheme 2023. Collection method: clinical testing. Allele origin: germline.

GeneDx
Classification: Benign. Last evaluated: 2015-03-03. Review status: criteria provided, single submitter. Criteria: GeneDx Variant Classification Process June 2021. Collection method: clinical testing. Allele origin: germline. Affected: yes.

PreventionGenetics, part of Exact Sciences
Classification: Likely benign for APC-related condition. Last evaluated: 2020-09-29. Review status: no assertion criteria provided. Collection method: clinical testing. Allele origin: germline. Not counted in ClinVar's aggregate classification.
Comment: This variant is classified as likely benign based on ACMG/AMP sequence variant interpretation guidelines (Richards et al. 2015 PMID: 25741868, with internal and published modifications).